The following is an entry in ClinVar:

ClinVar aggregate classification (germline): Uncertain significance (1 of 4 stars; one submission).

Conditions:
Inborn genetic diseases. Identifiers: MedGen C0950123, MeSH D030342.

Submission:

Ambry Genetics
Classification: Uncertain significance for Inborn genetic diseases. Last evaluated: 2025-10-02. Review status: criteria provided, single submitter. Criteria: Ambry Variant Classification Scheme 2023. Collection method: clinical testing. Allele origin: germline.
Comment: The p.V525D variant (also known as c.1574T>A), located in coding exon 1 of the SAMD9L gene, results from a T to A substitution at nucleotide position 1574. The valine at codon 525 is replaced by aspartic acid, an amino acid with highly dissimilar properties. This amino acid position is conserved. In addition, this alteration is predicted to be tolerated by in silico analysis. Based on the available evidence, the clinical significance of this variant remains unclear.

NM_152703.5(SAMD9L):c.1574T>A (p.Val525Asp)

Gene: SAMD9L (sterile alpha motif domain containing 9 like; minus strand). Cytogenetic location: 7q21.2.
Variant type: single nucleotide variant.
Coding change: c.1574T>A on transcript NM_152703.5 (MANE Select); coding-DNA position 1574, T replaced by A.
Protein change: p.Val525Asp; replaces valine 525 with aspartic acid.
Molecular consequence: missense variant.
Genome position (GRCh38, 1-based): chr7:93,134,398, A>T on the plus strand (T>A on the coding strand, the complement: SAMD9L is on the minus strand). VCF-style: chr7-93134398-A-T. GRCh37 (hg19) VCF-style: chr7-92763711-A-T.
Other names: c.1574T>A, p.Val525Asp (NM_001303496.3, NM_001303497.3, NM_001303498.3 and 5 more transcripts); short protein forms V525D.
Identifiers: ClinVar variation 4630034 (VCV004630034.1).